The following is an entry in ClinVar:

NM_003587.5(DHX16):c.962C>A (p.Ala321Asp)

Gene: DHX16 (DEAH-box helicase 16; minus strand). Cytogenetic location: 6p21.33.
Variant type: single nucleotide variant.
Coding change: c.962C>A on transcript NM_003587.5 (MANE Select); coding-DNA position 962, C replaced by A.
Protein change: p.Ala321Asp; replaces alanine 321 with aspartic acid.
Molecular consequence: missense variant. On other transcripts: 5 prime UTR variant (1).
Genome position (GRCh38, 1-based): chr6:30,665,234, G>T on the plus strand (C>A on the coding strand, the complement: DHX16 is on the minus strand). VCF-style: chr6-30665234-G-T. GRCh37 (hg19) VCF-style: chr6-30633011-G-T.
Other names: c.782C>A, p.Ala261Asp (NM_001164239.2); c.-1158C>A (NM_001363515.2); short protein forms A261D, A321D.
Identifiers: ClinVar variation 5016979 (VCV005016979.1).
Genomic context (GRCh38, chr6:30,665,234, plus strand): 5'-AACTTCAGGGACGCTGCCCCAAGCCGCGCCTCCTCCCAGCGCCGCTGCTCCTCCCCAGGG[G>T]CTCCTGATTCCTCCTCCACTAGATCCACAGCTCGGGCTGGCTACAGAGAGAGGGGATATG-3'
Protein context (NP_003578.2, residues 311-331): AVDLVEEESG[Ala321Asp]PGEEQRRWEE

ClinVar aggregate classification (germline): Uncertain significance (1 of 4 stars; one submission).

Submission:

GeneDx
Classification: Uncertain significance. Last evaluated: 2026-04-03. Review status: criteria provided, single submitter. Criteria: GeneDx Variant Classification Process June 2021. Collection method: clinical testing. Allele origin: germline.
Comment: Not observed at significant frequency in large population cohorts (gnomAD); In silico analysis suggests that this missense variant does not alter protein structure/function; Has not been previously published as pathogenic or benign to our knowledge.